The following is an entry in ClinVar:

ClinVar aggregate classification (germline): Pathogenic (1 of 4 stars; one submission).

Submission:

CeGaT Center for Human Genetics Tuebingen
Classification: Pathogenic. Last evaluated: 2026-06-01. Review status: criteria provided, single submitter. Criteria: CeGaT Center For Human Genetics Tuebingen Variant Classification Criteria Version 2. Collection method: clinical testing. Allele origin: germline. Affected: yes. Observed: 2 variant alleles.
Comment: PKHD1: PVS1, PM2

NM_138694.4(PKHD1):c.10429del (p.Thr3477fs)

Gene: PKHD1 (PKHD1 ciliary IPT domain containing fibrocystin/polyductin; minus strand). Cytogenetic location: 6p12.3.
Variant type: Deletion.
Coding change: c.10429del on transcript NM_138694.4 (MANE Select); coding-DNA position 10429, one base deleted (A; older notation c.10429delA).
Protein change: p.Thr3477fs; shifts the reading frame from threonine 3477.
Molecular consequence: frameshift variant.
Genome position (GRCh38, 1-based): chr6:51,659,697, T deleted on the plus strand (A on the coding strand, the reverse complement: PKHD1 is on the minus strand); the first of 3 consecutive T bases (chr6:51,659,697-51,659,699); deleting any one gives the same sequence. VCF-style (leftmost placement, unchanged base first): chr6-51659696-GT-G. GRCh37 (hg19) VCF-style: chr6-51524494-GT-G.
Other names: short protein forms T3477fs.
Identifiers: ClinVar variation 4823784 (VCV004823784.4).